The following is an entry in ClinVar:

ClinVar aggregate classification (germline): Uncertain significance (1 of 4 stars; one submission).

Submission:

Labcorp Genetics (formerly Invitae), Labcorp
Classification: Uncertain significance. Last evaluated: 2023-08-10. Review status: criteria provided, single submitter. Criteria: Invitae Variant Classification Sherloc (09022015). Collection method: clinical testing. Allele origin: germline.
Comment: This sequence change replaces glycine, which is neutral and non-polar, with arginine, which is basic and polar, at codon 2249 of the FLNB protein (p.Gly2249Arg). This variant is not present in population databases (gnomAD no frequency). This variant has not been reported in the literature in individuals affected with FLNB-related conditions. Advanced modeling of protein sequence and biophysical properties (such as structural, functional, and spatial information, amino acid conservation, physicochemical variation, residue mobility, and thermodynamic stability) performed at Invitae indicates that this missense variant is not expected to disrupt FLNB protein function. In summary, the available evidence is currently insufficient to determine the role of this variant in disease. Therefore, it has been classified as a Variant of Uncertain Significance.

NM_001457.4(FLNB):c.6745G>C (p.Gly2249Arg)

Gene: FLNB (filamin B; plus strand). Cytogenetic location: 3p14.3.
Variant type: single nucleotide variant.
Coding change: c.6745G>C on transcript NM_001457.4 (MANE Select); coding-DNA position 6745, G replaced by C.
Protein change: p.Gly2249Arg; replaces glycine 2249 with arginine.
Molecular consequence: missense variant.
Genome position (GRCh38, 1-based): chr3:58,154,901, G>C. VCF-style: chr3-58154901-G-C. GRCh37 (hg19) VCF-style: chr3-58140628-G-C.
Other names: c.6838G>C, p.Gly2280Arg (NM_001164317.2); c.6712G>C, p.Gly2238Arg (NM_001164318.2); c.6673G>C, p.Gly2225Arg (NM_001164319.2); short protein forms G2280R, G2238R, G2249R, G2225R.
Identifiers: ClinVar variation 3012316 (VCV003012316.3), dbSNP rs144963323, ClinGen allele CA353360726.